The following is an entry in ClinVar:

ClinVar aggregate classification (germline): Uncertain significance (1 of 4 stars; one submission).

Allele frequency attached by ClinVar (database versions not stated): gnomAD exomes 0.00001; ExAC 0.00003; TOPMed 0.00003.

Submission:

Labcorp Genetics (formerly Invitae), Labcorp
Classification: Uncertain significance. Last evaluated: 2022-02-06. Review status: criteria provided, single submitter. Criteria: Invitae Variant Classification Sherloc (09022015). Collection method: clinical testing. Allele origin: germline.
Comment: Algorithms developed to predict the effect of missense changes on protein structure and function are either unavailable or do not agree on the potential impact of this missense change (SIFT: "Deleterious"; PolyPhen-2: "Not Available"; Align-GVGD: "Class C55"). This variant has not been reported in the literature in individuals affected with ACAN-related conditions. The frequency data for this variant in the population databases is considered unreliable, as metrics indicate poor data quality at this position in the gnomAD database. This sequence change replaces glycine, which is neutral and non-polar, with serine, which is neutral and polar, at codon 202 of the ACAN protein (p.Gly202Ser). In summary, the available evidence is currently insufficient to determine the role of this variant in disease. Therefore, it has been classified as a Variant of Uncertain Significance.

NM_001369268.1(ACAN):c.604G>A (p.Gly202Ser)

Gene: ACAN (aggrecan; plus strand). Cytogenetic location: 15q26.1.
Variant type: single nucleotide variant.
Coding change: c.604G>A on transcript NM_001369268.1 (MANE Select); coding-DNA position 604, G replaced by A.
Protein change: p.Gly202Ser; replaces glycine 202 with serine.
Molecular consequence: missense variant.
Genome position (GRCh38, 1-based): chr15:88,840,161, G>A. VCF-style: chr15-88840161-G-A. GRCh37 (hg19) VCF-style: chr15-89383392-G-A.
Other names: c.604G>A, p.Gly202Ser (NM_001135.4, NM_001411096.1, NM_001411097.1 and 1 more transcripts); short protein forms G202S.
Identifiers: ClinVar variation 2422075 (VCV002422075.6), dbSNP rs771241836, ClinGen allele CA7719279.